The following is an entry in ClinVar:

ClinVar aggregate classification (germline): Conflicting classifications of pathogenicity. Review status: criteria provided, conflicting classifications (1 of 4 stars). 9 submissions from 9 submitters: Likely pathogenic (5); Uncertain significance (4). Last evaluated 2026-08-21.

Conditions:
Ghosal hematodiaphyseal dysplasia. Also called: Ghosal hematodiaphyseal syndrome. Identifiers: Orphanet 1802, MedGen C1856465, MONDO:0009274, OMIM 231095.
TBXAS1-related disorder. Also called: TBXAS1-related condition.
Thromboxane synthetase deficiency (BDPLT14). Also called: Bleeding disorder, platelet-type, 14. Identifiers: MedGen C0398635, MONDO:0013597, OMIM 614158.

Allele frequency attached by ClinVar (database versions not stated): gnomAD 0.00006; ESP Exome Variant Server 0.00008; TOPMed 0.00009.
gnomAD v4.1: 168 of 1,613,828 alleles (0.01%); highest among the groups gnomAD compares: Middle Eastern, 0.066%; no homozygotes.

Submissions (9):

PreventionGenetics, part of Exact Sciences
Classification: Likely pathogenic for TBXAS1-related condition. Last evaluated: 2026-08-21. Review status: criteria provided, single submitter. Criteria: ACMG Guidelines, 2015. Collection method: clinical testing. Allele origin: germline.
Comment: The TBXAS1 c.1420G>T variant is predicted to result in the amino acid substitution p.Gly474Trp. This variant has been observed to segregate with Ghosal hematodiaphyseal dysplasia in the compound heterozygous state in two affected families (Kim et al. 2021. PubMed ID: 33595912). This variant is reported in 0.028% of alleles in individuals of Latino descent in gnomAD. This variant is interpreted as likely pathogenic.

CeGaT Center for Human Genetics Tuebingen
Classification: Uncertain significance. Last evaluated: 2026-03-01. Review status: criteria provided, single submitter. Criteria: CeGaT Center For Human Genetics Tuebingen Variant Classification Criteria Version 2. Collection method: clinical testing. Allele origin: germline. Affected: yes. Observed: 1 variant allele.
Comment: TBXAS1: PM2:Supporting, PM3:Supporting

Labcorp Genetics (formerly Invitae), Labcorp
Classification: Likely pathogenic. Last evaluated: 2025-10-08. Review status: criteria provided, single submitter. Criteria: Invitae Variant Classification Sherloc (09022015). Collection method: clinical testing. Allele origin: germline.
Comment: This sequence change replaces glycine, which is neutral and non-polar, with tryptophan, which is neutral and slightly polar, at codon 474 of the TBXAS1 protein (p.Gly474Trp). This variant is present in population databases (rs149988492, gnomAD 0.03%). This missense change has been observed in individual(s) with Ghosal hematodiaphyseal dysplasia (PMID: 33595912). It has also been observed to segregate with disease in related individuals. ClinVar contains an entry for this variant (Variation ID: 626181). Invitae Evidence Modeling of protein sequence and biophysical properties (such as structural, functional, and spatial information, amino acid conservation, physicochemical variation, residue mobility, and thermodynamic stability) indicates that this missense variant is expected to disrupt TBXAS1 protein function with a positive predictive value of 95%. In summary, the currently available evidence indicates that the variant is pathogenic, but additional data are needed to prove that conclusively. Therefore, this variant has been classified as Likely Pathogenic.

Dasa
Classification: Likely pathogenic for Ghosal hematodiaphyseal dysplasia. Last evaluated: 2025-04-07. Review status: criteria provided, single submitter. Criteria: DASA Assertion Criteria. Collection method: clinical testing. Allele origin: germline.
Comment: NM_001061.7(TBXAS1):c.1417G>T (p.Gly473Trp) is a missense variant that results in the substitution of glycine with tryptophan. The affected residue or protein region has prior evidence supporting clinical relevance. This variant has been reported in individuals with TBXAS1-related disorders (PMID: 33595912). Also, this variant is rare in population databases. Computational evidence supports a deleterious effect. Based on the currently available evidence, this variant is classified as likely pathogenic.

Revvity Omics, Revvity
Classification: Uncertain significance for Ghosal hematodiaphyseal dysplasia. Last evaluated: 2025-03-20. Review status: criteria provided, single submitter. Criteria: ACMG Guidelines, 2015. Collection method: clinical testing. Allele origin: germline.

Blueprint Genetics
Classification: Likely pathogenic for TBXAS1-related disorders. Last evaluated: 2024-11-17. Review status: criteria provided, single submitter. Criteria: ACMG Guidelines, 2015. Collection method: clinical testing. Allele origin: germline. Affected: yes. Observed: 5 variant alleles.

Mayo Clinic Laboratories, Mayo Clinic
Classification: Uncertain significance. Last evaluated: 2024-01-04. Review status: criteria provided, single submitter. Criteria: ACMG Guidelines, 2015. Collection method: clinical testing. Allele origin: germline. Observed: 1 variant allele.
Comment: PP3, PM1_supporting, PM3_supporting

Mendelics
Classification: Uncertain significance. Last evaluated: 2022-05-04. Review status: criteria provided, single submitter. Criteria: Mendelics Assertion Criteria 2019. Collection method: clinical testing. Allele origin: germline.

Center for Genomics, Ann and Robert H. Lurie Children's Hospital of Chicago
Classification: Likely pathogenic for Thromboxane synthetase deficiency; Ghosal hematodiaphyseal dysplasia. Last evaluated: 2017-12-12. Review status: criteria provided, single submitter. Criteria: ACMG Guidelines, 2015. Collection method: clinical testing. Allele origin: germline.
Comment: TBXAS1 NM_001061.4 exon 12 p.Gly474Trp (c.1420G>T): This variant has not been reported in the literature but is present in 9/34410 Latino alleles in the Genome Aggregation Database. Evolutionary conservation and computational predictive tools suggest that this variant may impact the protein. In summary, data on this variant is insufficient for disease classification. Therefore, the clinical significance of this variant is uncertain.

Literature cited by the submitters: PubMed 33595912 (cited by 3 submitters).

NM_001061.7(TBXAS1):c.1417G>T (p.Gly473Trp)

Gene: TBXAS1 (thromboxane A synthase 1; plus strand). Cytogenetic location: 7q34.
Variant type: single nucleotide variant.
Coding change: c.1417G>T on transcript NM_001061.7 (MANE Select); coding-DNA position 1417, G replaced by T.
Protein change: p.Gly473Trp; replaces glycine 473 with tryptophan.
Molecular consequence: missense variant. On other transcripts: intron variant (1).
Genome position (GRCh38, 1-based): chr7:140,017,723, G>T. VCF-style: chr7-140017723-G-T. GRCh37 (hg19) VCF-style: chr7-139717523-G-T.
Other names: p.Gly473Trp; c.1417G>T (NM_001061.6); c.1420G>T (NM_001061.4); c.1417G>T, p.Gly473Trp (NM_001130966.5); c.1555G>T, p.Gly519Trp (NM_001166253.4); c.1216G>T, p.Gly406Trp (NM_001166254.4); c.1360G>T, p.Gly454Trp (NM_001314028.4); c.1234G>T, p.Gly412Trp (NM_001366537.3); and 1 more; short protein forms G406W, G473W, G519W, G454W, G412W.
Identifiers: ClinVar variation 626181 (VCV000626181.17), dbSNP rs149988492, ClinGen allele CA4512039.